The following is an entry in ClinVar:

NM_003680.4(YARS1):c.1360C>T (p.Pro454Ser)

Gene: YARS1 (tyrosyl-tRNA synthetase 1; minus strand). Cytogenetic location: 1p35.1.
Variant type: single nucleotide variant.
Coding change: c.1360C>T on transcript NM_003680.4 (MANE Select); coding-DNA position 1360, C replaced by T.
Protein change: p.Pro454Ser; replaces proline 454 with serine.
Molecular consequence: missense variant.
Genome position (GRCh38, 1-based): chr1:32,779,498, G>A on the plus strand (C>T on the coding strand, the complement: YARS1 is on the minus strand). VCF-style: chr1-32779498-G-A. GRCh37 (hg19) VCF-style: chr1-33245099-G-A.
Other names: short protein forms P454S.
Identifiers: ClinVar variation 4203045 (VCV004203045.8).

ClinVar aggregate classification (germline): Uncertain significance. Review status: criteria provided, multiple submitters, no conflicts (2 of 4 stars). 2 submissions from 2 submitters: Uncertain significance (2). Last evaluated 2025-09-05.

Conditions:
Inborn genetic diseases. Identifiers: MedGen C0950123, MeSH D030342.

gnomAD v4.1: 5 of 1,614,092 alleles (0.00031%); highest among the groups gnomAD compares: Admixed American, 0.0017%; no homozygotes.

Submissions (2):

Ambry Genetics
Classification: Uncertain significance for Inborn genetic diseases. Last evaluated: 2025-09-05. Review status: criteria provided, single submitter. Criteria: Ambry Variant Classification Scheme 2023. Collection method: clinical testing. Allele origin: germline.

CeGaT Center for Human Genetics Tuebingen
Classification: Uncertain significance. Last evaluated: 2025-09-01. Review status: criteria provided, single submitter. Criteria: CeGaT Center For Human Genetics Tuebingen Variant Classification Criteria Version 2. Collection method: clinical testing. Allele origin: germline. Affected: yes. Observed: 1 variant allele.
Comment: YARS1: PM2